The following is an entry in ClinVar:

ClinVar aggregate classification (germline): Uncertain significance (1 of 4 stars; one submission).

Submission:

CeGaT Center for Human Genetics Tuebingen
Classification: Uncertain significance. Last evaluated: 2025-05-01. Review status: criteria provided, single submitter. Criteria: CeGaT Center For Human Genetics Tuebingen Variant Classification Criteria Version 2. Collection method: clinical testing. Allele origin: germline. Affected: yes. Observed: 4 variant alleles.
Comment: ANK3: PM2, PP3

NM_020987.5(ANK3):c.3625A>G (p.Arg1209Gly)

Gene: ANK3 (ankyrin 3; minus strand). Cytogenetic location: 10q21.2.
Variant type: single nucleotide variant.
Coding change: c.3625A>G on transcript NM_020987.5 (MANE Select); coding-DNA position 3625, A replaced by G.
Protein change: p.Arg1209Gly; replaces arginine 1209 with glycine.
Molecular consequence: missense variant.
Genome position (GRCh38, 1-based): chr10:60,086,800, T>C on the plus strand (A>G on the coding strand, the complement: ANK3 is on the minus strand). VCF-style: chr10-60086800-T-C. GRCh37 (hg19) VCF-style: chr10-61846558-T-C.
Other names: c.1027A>G, p.Arg343Gly (NM_001149.4); c.3607A>G, p.Arg1203Gly (NM_001204403.2); c.3628A>G, p.Arg1210Gly (NM_001204404.2); c.3625A>G, p.Arg1209Gly (NM_001320874.2); short protein forms R1203G, R1209G, R1210G, R343G.
Identifiers: ClinVar variation 3905725 (VCV003905725.10).